The following is an entry in ClinVar:

NM_005535.3(IL12RB1):c.559G>T (p.Gly187Ter)

Gene: IL12RB1 (interleukin 12 receptor subunit beta 1; minus strand). Cytogenetic location: 19p13.11.
Variant type: single nucleotide variant.
Coding change: c.559G>T on transcript NM_005535.3 (MANE Select); coding-DNA position 559, G replaced by T.
Protein change: p.Gly187Ter; replaces glycine 187 with a stop codon.
Molecular consequence: nonsense.
Genome position (GRCh38, 1-based): chr19:18,076,318, C>A on the plus strand (G>T on the coding strand, the complement: IL12RB1 is on the minus strand). VCF-style: chr19-18076318-C-A. GRCh37 (hg19) VCF-style: chr19-18187128-C-A.
Other names: c.559G>T, p.Gly187Ter (NM_001290023.2, NM_153701.3); c.679G>T, p.Gly227Ter (NM_001290024.2); short protein forms G187*, G227*.
Identifiers: ClinVar variation 576660 (VCV000576660.6), dbSNP rs564884307, ClinGen allele CA9305168.

ClinVar aggregate classification (germline): Pathogenic (1 of 4 stars; one submission).

Conditions:
Mendelian susceptibility to mycobacterial diseases due to complete IL12RB1 deficiency. Also called: IL12RB1 DEFICIENCY; Immunodeficiency 30. Identifiers: Orphanet 319552, MedGen C4013949, MONDO:0013955, OMIM 614891.

gnomAD v4.1: 9 of 1,422,960 alleles (0.00063%); no homozygotes.

Submission:

Labcorp Genetics (formerly Invitae), Labcorp
Classification: Pathogenic for Mendelian susceptibility to mycobacterial diseases due to complete IL12RB1 deficiency. Last evaluated: 2018-05-10. Review status: criteria provided, single submitter. Criteria: Invitae Variant Classification Sherloc (09022015). Collection method: clinical testing. Allele origin: germline.
Comment: Loss-of-function variants in IL12RB1 are known to be pathogenic (PMID: 9603733, 12591909). This variant has not been reported in the literature in individuals with IL12RB1-related disease. This variant is present in population databases (rs564884307, ExAC 0.002%). This sequence change creates a premature translational stop signal (p.Gly187*) in the IL12RB1 gene. It is expected to result in an absent or disrupted protein product. For these reasons, this variant has been classified as Pathogenic.

Literature cited by the submitters: PubMed 9603733; PubMed 12591909.